The following is an entry in ClinVar:

NM_020928.2(ZSWIM6):c.1722C>T (p.Asp574=)

Gene: ZSWIM6 (zinc finger SWIM-type containing 6; plus strand). Cytogenetic location: 5q12.1.
Variant type: single nucleotide variant.
Coding change: c.1722C>T on transcript NM_020928.2 (MANE Select); coding-DNA position 1722, C replaced by T.
Protein change: p.Asp574=; no amino-acid change (aspartic acid 574 retained).
Molecular consequence: synonymous variant.
Genome position (GRCh38, 1-based): chr5:61,526,281, C>T. VCF-style: chr5-61526281-C-T. GRCh37 (hg19) VCF-style: chr5-60822108-C-T.
Identifiers: ClinVar variation 789474 (VCV000789474.21), dbSNP rs187525163, ClinGen allele CA3278379.

ClinVar aggregate classification (germline): Benign/Likely benign. Review status: criteria provided, multiple submitters, no conflicts (2 of 4 stars). 6 submissions from 6 submitters: Benign (4); Likely benign (1). 1 of the submissions does not count toward it. Last evaluated 2026-02-03.

Conditions:
ZSWIM6-related disorder. Also called: ZSWIM6-related condition.
Acromelic frontonasal dysostosis (AFND). Identifiers: Orphanet 1827, MedGen C1863616, MONDO:0011359, OMIM 603671.
Neurodevelopmental disorder with movement abnormalities, abnormal gait, and autistic features. Identifiers: MedGen C4693405, MONDO:0060642, OMIM 617865.

Allele frequency attached by ClinVar (database versions not stated): ExAC 0.00091; gnomAD exomes 0.00140 and 0.00850; gnomAD 0.00290 and 0.00298; 1000 Genomes Project 0.00519; TOPMed 0.00568; 1000 Genomes Project 30x 0.00625.
gnomAD v4.1: 2,409 of 1,551,780 alleles (0.16%); highest among the groups gnomAD compares: Admixed American, 4.2%; 71 homozygotes.

Submissions (6):

Labcorp Genetics (formerly Invitae), Labcorp
Classification: Benign. Last evaluated: 2026-02-03. Review status: criteria provided, single submitter. Criteria: Invitae Variant Classification Sherloc (09022015). Collection method: clinical testing. Allele origin: germline.

Fulgent Genetics
Classification: Likely benign for Acromelic frontonasal dysostosis; Neurodevelopmental disorder with movement abnormalities, abnormal gait, and autistic features. Last evaluated: 2022-01-13. Review status: criteria provided, single submitter. Criteria: ACMG Guidelines, 2015. Collection method: clinical testing. Allele origin: unknown.

GeneDx
Classification: Benign. Last evaluated: 2018-09-05. Review status: criteria provided, single submitter. Criteria: GeneDx Variant Classification Process June 2021. Collection method: clinical testing. Allele origin: germline. Affected: yes.

Genetic Services Laboratory, University of Chicago
Classification: Benign. Last evaluated: 2017-08-04. Review status: criteria provided, single submitter. Criteria: ACMG Guidelines, 2015. Collection method: clinical testing. Allele origin: germline. Affected: no.

Breakthrough Genomics
Classification: Benign. Review status: criteria provided, single submitter. Criteria: ACMG Guidelines, 2015. Collection method: not provided. Allele origin: germline. Inheritance: Autosomal dominant inheritance. Affected: yes.

PreventionGenetics, part of Exact Sciences
Classification: Benign for ZSWIM6-related condition. Last evaluated: 2019-06-11. Review status: no assertion criteria provided. Collection method: clinical testing. Allele origin: germline. Not counted in ClinVar's aggregate classification.
Comment: This variant is classified as benign based on ACMG/AMP sequence variant interpretation guidelines (Richards et al. 2015 PMID: 25741868, with internal and published modifications).